The following is an entry in ClinVar:

NM_006295.3(VARS1):c.3459C>T (p.Tyr1153=)

Gene: VARS1 (valyl-tRNA synthetase 1; minus strand). Cytogenetic location: 6p21.33.
Variant type: single nucleotide variant.
Coding change: c.3459C>T on transcript NM_006295.3 (MANE Select); coding-DNA position 3459, C replaced by T.
Protein change: p.Tyr1153=; no amino-acid change (tyrosine 1153 retained).
Molecular consequence: synonymous variant.
Genome position (GRCh38, 1-based): chr6:31,779,234, G>A on the plus strand (C>T on the coding strand, the complement: VARS1 is on the minus strand). VCF-style: chr6-31779234-G-A. GRCh37 (hg19) VCF-style: chr6-31747011-G-A.
Identifiers: ClinVar variation 774865 (VCV000774865.28), dbSNP rs61730576, ClinGen allele CA3722658.

ClinVar aggregate classification (germline): Benign/Likely benign. Review status: criteria provided, multiple submitters, no conflicts (2 of 4 stars). 2 submissions from 2 submitters: Benign (1); Likely benign (1). Last evaluated 2025-07-01.

Allele frequency attached by ClinVar (database versions not stated): 1000 Genomes Project 0.00200; 1000 Genomes Project 30x 0.00219; ESP Exome Variant Server 0.00264; TOPMed 0.00303; gnomAD 0.00360 and 0.00368; gnomAD exomes 0.00368 and 0.00442; ExAC 0.00506.
gnomAD v4.1: 5,953 of 1,606,126 alleles (0.37%); highest among the groups gnomAD compares: Middle Eastern, 0.4%; 39 homozygotes.

Submissions (2):

CeGaT Center for Human Genetics Tuebingen
Classification: Likely benign. Last evaluated: 2025-07-01. Review status: criteria provided, single submitter. Criteria: CeGaT Center For Human Genetics Tuebingen Variant Classification Criteria Version 2. Collection method: clinical testing. Allele origin: germline. Affected: yes. Observed: 9 variant alleles.
Comment: VARS1: BP4, BP7, BS2

Labcorp Genetics (formerly Invitae), Labcorp
Classification: Benign. Last evaluated: 2019-12-31. Review status: criteria provided, single submitter. Criteria: Invitae Variant Classification Sherloc (09022015). Collection method: clinical testing. Allele origin: germline.